The following is an entry in ClinVar:

NM_203446.3(SYNJ1):c.3908A>G (p.Gln1303Arg)

Gene: SYNJ1 (synaptojanin 1; minus strand). Cytogenetic location: 21q22.11.
Variant type: single nucleotide variant.
Coding change: c.3908A>G on transcript NM_203446.3 (MANE Select); coding-DNA position 3908, A replaced by G.
Protein change: p.Gln1303Arg; replaces glutamine 1303 with arginine.
Molecular consequence: missense variant.
Genome position (GRCh38, 1-based): chr21:32,638,915, T>C on the plus strand (A>G on the coding strand, the complement: SYNJ1 is on the minus strand). VCF-style: chr21-32638915-T-C. GRCh37 (hg19) VCF-style: chr21-34011225-T-C.
Other names: c.3860A>G, p.Gln1287Arg (NM_001160302.2); c.3767A>G, p.Gln1256Arg (NM_001160306.2); c.4025A>G, p.Gln1342Arg (NM_003895.4); short protein forms Q1342R, Q1256R, Q1287R, Q1303R.
Identifiers: ClinVar variation 544562 (VCV000544562.10), dbSNP rs546986773, ClinGen allele CA10003226.

ClinVar aggregate classification (germline): Uncertain significance (1 of 4 stars; one submission).

Conditions:
Early-onset Parkinson disease 20. Also called: PARKINSON DISEASE 20, AUTOSOMAL RECESSIVE EARLY-ONSET. Identifiers: Orphanet 391411, MedGen C3809824, MONDO:0014233, OMIM 615530.
Developmental and epileptic encephalopathy, 53. Also called: Epileptic encephalopathy, early infantile, 53. Identifiers: MedGen C4479313, MONDO:0033362, OMIM 617389.

Allele frequency attached by ClinVar (database versions not stated): gnomAD exomes 0.00001 and 0.00002; ExAC 0.00003; TOPMed 0.00005; gnomAD 0.00008 and 0.00009; 1000 Genomes Project 30x 0.00016; 1000 Genomes Project 0.00020.
gnomAD v4.1: 26 of 1,598,070 alleles (0.0016%); highest among the groups gnomAD compares: African/African-American, 0.03%; no homozygotes.

Submission:

Labcorp Genetics (formerly Invitae), Labcorp
Classification: Uncertain significance for Developmental and epileptic encephalopathy, 53; Early-onset Parkinson disease 20. Last evaluated: 2024-10-29. Review status: criteria provided, single submitter. Criteria: Invitae Variant Classification Sherloc (09022015). Collection method: clinical testing. Allele origin: germline.
Comment: This sequence change replaces glutamine, which is neutral and polar, with arginine, which is basic and polar, at codon 1342 of the SYNJ1 protein (p.Gln1342Arg). This variant is present in population databases (rs546986773, gnomAD 0.03%). This variant has not been reported in the literature in individuals affected with SYNJ1-related conditions. ClinVar contains an entry for this variant (Variation ID: 544562). Invitae Evidence Modeling of protein sequence and biophysical properties (such as structural, functional, and spatial information, amino acid conservation, physicochemical variation, residue mobility, and thermodynamic stability) indicates that this missense variant is not expected to disrupt SYNJ1 protein function with a negative predictive value of 80%. In summary, the available evidence is currently insufficient to determine the role of this variant in disease. Therefore, it has been classified as a Variant of Uncertain Significance.